The following is an entry in ClinVar:

NM_016148.5(SHANK1):c.5871G>A (p.Gly1957=)

Gene: SHANK1 (SH3 and multiple ankyrin repeat domains 1; minus strand). Cytogenetic location: 19q13.33.
Variant type: single nucleotide variant.
Coding change: c.5871G>A on transcript NM_016148.5 (MANE Select); coding-DNA position 5871, G replaced by A.
Protein change: p.Gly1957=; no amino-acid change (glycine 1957 retained).
Molecular consequence: synonymous variant.
Genome position (GRCh38, 1-based): chr19:50,662,580, C>T on the plus strand (G>A on the coding strand, the complement: SHANK1 is on the minus strand). VCF-style: chr19-50662580-C-T. GRCh37 (hg19) VCF-style: chr19-51165837-C-T.
Identifiers: ClinVar variation 4533853 (VCV004533853.6).

ClinVar aggregate classification (germline): Likely benign (1 of 4 stars; one submission).

gnomAD v4.1: 7 of 1,564,610 alleles (0.00045%); highest among the groups gnomAD compares: Non-Finnish European, 0.00061%; no homozygotes.

Submission:

CeGaT Center for Human Genetics Tuebingen
Classification: Likely benign. Last evaluated: 2025-10-01. Review status: criteria provided, single submitter. Criteria: CeGaT Center For Human Genetics Tuebingen Variant Classification Criteria Version 2. Collection method: clinical testing. Allele origin: germline. Affected: yes. Observed: 1 variant allele.
Comment: SHANK1: BP4, BP7